The following is an entry in ClinVar:

NM_000273.3(GPR143):c.36del (p.Thr13fs)

Gene: GPR143 (G protein-coupled receptor 143; minus strand). Cytogenetic location: Xp22.2.
Variant type: Deletion.
Coding change: c.36del on transcript NM_000273.3 (MANE Select); coding-DNA position 36, one base deleted (C; older notation c.36delC).
Protein change: p.Thr13fs; shifts the reading frame from threonine 13.
Molecular consequence: frameshift variant.
Genome position (GRCh38, 1-based): chrX:9,765,782, G deleted on the plus strand (C on the coding strand, the reverse complement: GPR143 is on the minus strand); the first of 4 consecutive G bases (chrX:9,765,782-9,765,785); deleting any one gives the same sequence. VCF-style (leftmost placement, unchanged base first): chrX-9765781-TG-T. GRCh37 (hg19) VCF-style: chrX-9733821-TG-T.
Other names: short protein forms T13fs.
Identifiers: ClinVar variation 1805629 (VCV001805629.2), dbSNP rs2518642442, ClinGen allele CA923726250.

ClinVar aggregate classification (germline): Pathogenic (1 of 4 stars; one submission).

Conditions:
Ocular albinism, type I (OA1). Also called: X-linked recessive ocular albinism; Ocular albinism, type I, Nettleship-Falls type; Ocular Albinism type 1; NETTLESHIP-FALLS TYPE OCULAR ALBINISM. Identifiers: Orphanet 54, MedGen C0342684, MONDO:0021019, OMIM 300500.

Submission:

Victorian Clinical Genetics Services, Murdoch Childrens Research Institute
Classification: Pathogenic for Ocular albinism, type I. Last evaluated: 2024-10-10. Review status: criteria provided, single submitter. Criteria: ACMG Guidelines, 2015. Collection method: clinical testing. Allele origin: germline.
Comment: Based on the classification scheme VCGS_Germline_v1.3.2, this variant is classified as Pathogenic. Following criteria are met: 0102 - Loss of function is a likely mechanism of disease in this gene and is associated with ocular albinism. (I) 0109 - This gene is associated with X-linked recessive disease. (I) 0201 - Variant is predicted to cause nonsense-mediated decay (NMD) and loss of protein (premature termination codon is located at least 54 nucleotides upstream of the final exon-exon junction) (exon 1 of 9). (SP) 0251 - This variant is heterozygous. (I) 0301 - Variant is absent from gnomAD (both v2 and v3). (SP) 0702 - Other NMD predicted variants comparable to the one identified in this case have strong previous evidence for pathogenicity (ClinVar). (SP) 0807 - This variant has no previous evidence of pathogenicity. (I) 0905 - No published segregation evidence has been identified for this variant. (I) 1007 - No published functional evidence has been identified for this variant. (I) 1208 - Inheritance information for this variant is not currently available in this individual. (I) Legend: (SP) - Supporting pathogenic, (I) - Information, (SB) - Supporting benign